The following is an entry in ClinVar:

ClinVar aggregate classification (germline): Uncertain significance (1 of 4 stars; one submission).

Conditions:
Hereditary cancer-predisposing syndrome. Also called: Hereditary neoplastic syndrome; Neoplastic Syndromes, Hereditary; Tumor predisposition; Hereditary Cancer Syndrome. Identifiers: Orphanet 140162, MedGen C0027672, MeSH D009386, MONDO:0015356.

Submission:

Ambry Genetics
Classification: Uncertain significance for Hereditary cancer-predisposing syndrome. Last evaluated: 2024-12-21. Review status: criteria provided, single submitter. Criteria: Ambry Variant Classification Scheme 2023. Collection method: clinical testing. Allele origin: germline.
Comment: The p.L44V variant (also known as c.130C>G), located in coding exon 1 of the ALK gene, results from a C to G substitution at nucleotide position 130. The leucine at codon 44 is replaced by valine, an amino acid with highly similar properties. This amino acid position is conserved. In addition, the in silico prediction for this alteration is inconclusive. Based on the available evidence, the clinical significance of this variant remains unclear.

NM_004304.5(ALK):c.130C>G (p.Leu44Val)

Gene: ALK (ALK receptor tyrosine kinase; minus strand). Cytogenetic location: 2p23.1.
Variant type: single nucleotide variant.
Coding change: c.130C>G on transcript NM_004304.5 (MANE Select); coding-DNA position 130, C replaced by G.
Protein change: p.Leu44Val; replaces leucine 44 with valine.
Molecular consequence: missense variant.
Genome position (GRCh38, 1-based): chr2:29,920,530, G>C on the plus strand (C>G on the coding strand, the complement: ALK is on the minus strand). VCF-style: chr2-29920530-G-C. GRCh37 (hg19) VCF-style: chr2-30143396-G-C.
Other names: short protein forms L44V.
Identifiers: ClinVar variation 3854348 (VCV003854348.1).